The following is an entry in ClinVar:

NM_206933.4(USH2A):c.5123G>C (p.Gly1708Ala)

Genes: USH2A (usherin; minus strand), USH2A-AS2 (USH2A antisense RNA 2; plus strand). Cytogenetic location: 1q41.
Variant type: single nucleotide variant.
Coding change: c.5123G>C on transcript NM_206933.4 (MANE Select); coding-DNA position 5123, G replaced by C.
Protein change: p.Gly1708Ala; replaces glycine 1708 with alanine.
Molecular consequence: missense variant.
Genome position (GRCh38, 1-based): chr1:216,084,742, C>G on the plus strand (G>C on the coding strand, the complement: USH2A is on the minus strand). VCF-style: chr1-216084742-C-G. GRCh37 (hg19) VCF-style: chr1-216258084-C-G.
Other names: short protein forms G1708A.
Identifiers: ClinVar variation 1053700 (VCV001053700.7), dbSNP rs2032069450, ClinGen allele CA344858848.

ClinVar aggregate classification (germline): Uncertain significance. Review status: criteria provided, multiple submitters, no conflicts (2 of 4 stars). 2 submissions from 2 submitters: Uncertain significance (2). Last evaluated 2022-06-13.

Allele frequency attached by ClinVar (database versions not stated): gnomAD exomes 0.00001; TOPMed 0.00001.
gnomAD v4.1: 6 of 1,613,440 alleles (0.00037%); highest among the groups gnomAD compares: Non-Finnish European, 0.00051%; no homozygotes.

Submissions (2):

Blueprint Genetics
Classification: Uncertain significance. Last evaluated: 2022-06-13. Review status: criteria provided, single submitter. Criteria: ACMG Guidelines, 2015. Collection method: clinical testing. Allele origin: germline.

Labcorp Genetics (formerly Invitae), Labcorp
Classification: Uncertain significance. Last evaluated: 2021-12-30. Review status: criteria provided, single submitter. Criteria: Invitae Variant Classification Sherloc (09022015). Collection method: clinical testing. Allele origin: germline.
Comment: This sequence change replaces glycine, which is neutral and non-polar, with alanine, which is neutral and non-polar, at codon 1708 of the USH2A protein (p.Gly1708Ala). This variant is not present in population databases (gnomAD no frequency). This variant has not been reported in the literature in individuals affected with USH2A-related conditions. ClinVar contains an entry for this variant (Variation ID: 1053700). Algorithms developed to predict the effect of missense changes on protein structure and function (SIFT, PolyPhen-2, Align-GVGD) all suggest that this variant is likely to be disruptive. In summary, the available evidence is currently insufficient to determine the role of this variant in disease. Therefore, it has been classified as a Variant of Uncertain Significance.